The following is an entry in ClinVar:

ClinVar aggregate classification (germline): Uncertain significance (1 of 4 stars; one submission).

Submission:

Labcorp Genetics (formerly Invitae), Labcorp
Classification: Uncertain significance. Last evaluated: 2023-03-08. Review status: criteria provided, single submitter. Criteria: Invitae Variant Classification Sherloc (09022015). Collection method: clinical testing. Allele origin: germline.
Comment: In summary, the available evidence is currently insufficient to determine the role of this variant in disease. Therefore, it has been classified as a Variant of Uncertain Significance. Advanced modeling of protein sequence and biophysical properties (such as structural, functional, and spatial information, amino acid conservation, physicochemical variation, residue mobility, and thermodynamic stability) performed at Invitae indicates that this missense variant is not expected to disrupt FLNB protein function. This variant has not been reported in the literature in individuals affected with FLNB-related conditions. This variant is not present in population databases (gnomAD no frequency). This sequence change replaces phenylalanine, which is neutral and non-polar, with leucine, which is neutral and non-polar, at codon 1507 of the FLNB protein (p.Phe1507Leu).

NM_001457.4(FLNB):c.4519T>C (p.Phe1507Leu)

Gene: FLNB (filamin B; plus strand). Cytogenetic location: 3p14.3.
Variant type: single nucleotide variant.
Coding change: c.4519T>C on transcript NM_001457.4 (MANE Select); coding-DNA position 4519, T replaced by C.
Protein change: p.Phe1507Leu; replaces phenylalanine 1507 with leucine.
Molecular consequence: missense variant.
Genome position (GRCh38, 1-based): chr3:58,134,620, T>C. VCF-style: chr3-58134620-T-C. GRCh37 (hg19) VCF-style: chr3-58120347-T-C.
Other names: c.4612T>C, p.Phe1538Leu (NM_001164317.2); c.4519T>C, p.Phe1507Leu (NM_001164318.2, NM_001164319.2); short protein forms F1507L, F1538L.
Identifiers: ClinVar variation 2844268 (VCV002844268.3), dbSNP rs2471160767, ClinGen allele CA353351578.